The following is an entry in ClinVar:

NM_001371596.2(MFSD8):c.22A>G (p.Ser8Gly)

Gene: MFSD8 (major facilitator superfamily domain containing 8; minus strand). Cytogenetic location: 4q28.2.
Variant type: single nucleotide variant.
Coding change: c.22A>G on transcript NM_001371596.2 (MANE Select); coding-DNA position 22, A replaced by G.
Protein change: p.Ser8Gly; replaces serine 8 with glycine.
Molecular consequence: missense variant. On other transcripts: 5 prime UTR variant (1), intron variant (2).
Genome position (GRCh38, 1-based): chr4:127,965,112, T>C on the plus strand (A>G on the coding strand, the complement: MFSD8 is on the minus strand). VCF-style: chr4-127965112-T-C. GRCh37 (hg19) VCF-style: chr4-128886267-T-C.
Other names: c.22A>G, p.Ser8Gly (NM_001363520.3, NM_001363521.3, NM_001371591.2 and 5 more transcripts); c.-112A>G (NM_001371595.1); c.-74+785A>G (NM_001410765.1, NM_001371590.2); short protein forms S8G.
Identifiers: ClinVar variation 1015879 (VCV001015879.8), dbSNP rs747446547, ClinGen allele CA3077614.
Genomic context (GRCh38, chr4:127,965,112, plus strand): 5'-CTCCACCAGGATCCGCTCACCTGCTTCCAGGTGTGTCGCCTAAGAGCGGCTCCTGTTCAC[T>C]TTCGTTCCGCAGGCCGGCCATAGTTACACTCCCTACAAGGCGTCTTGCGCCCAACTCTCG-3'
Protein context (NP_001358525.1, residues 1-18): MAGLRNE[Ser8Gly]EQEPLLGDTP

ClinVar aggregate classification (germline): Uncertain significance (1 of 4 stars; one submission).

Conditions:
Neuronal ceroid lipofuscinosis 7 (CLN7). Also called: MFSD8-Related Neuronal Ceroid-Lipofuscinosis. Identifiers: Orphanet 168491, Orphanet 228366, MedGen C1838571, MONDO:0012588, OMIM 610951.

Allele frequency attached by ClinVar (database versions not stated): gnomAD exomes below 0.00001; TOPMed below 0.00001; gnomAD 0.00001; ExAC 0.00002.
gnomAD v4.1: 2 of 1,613,820 alleles (0.00012%); highest among the groups gnomAD compares: African/African-American, 0.0027%; no homozygotes.

Submission:

Labcorp Genetics (formerly Invitae), Labcorp
Classification: Uncertain significance for Neuronal ceroid lipofuscinosis 7. Last evaluated: 2020-08-26. Review status: criteria provided, single submitter. Criteria: Invitae Variant Classification Sherloc (09022015). Collection method: clinical testing. Allele origin: germline.
Comment: In summary, the available evidence is currently insufficient to determine the role of this variant in disease. Therefore, it has been classified as a Variant of Uncertain Significance. Algorithms developed to predict the effect of missense changes on protein structure and function output the following: SIFT: "Tolerated"; PolyPhen-2: "Benign"; Align-GVGD: "Class C0". The glycine amino acid residue is found in multiple mammalian species, suggesting that this missense change does not adversely affect protein function. These predictions have not been confirmed by published functional studies and their clinical significance is uncertain. This variant has not been reported in the literature in individuals with MFSD8-related conditions. This variant is present in population databases (rs747446547, ExAC 0.01%). This sequence change replaces serine with glycine at codon 8 of the MFSD8 protein (p.Ser8Gly). The serine residue is weakly conserved and there is a small physicochemical difference between serine and glycine.